The following is an entry in ClinVar:

NM_001374385.1(ATP8B1):c.2150C>A (p.Thr717Asn)

Genes: ATP8B1 (ATPase phospholipid transporting 8B1; minus strand), ATP8B1-AS1 (ATP8B1 antisense RNA 1; plus strand). Cytogenetic location: 18q21.31.
Variant type: single nucleotide variant.
Coding change: c.2150C>A on transcript NM_001374385.1 (MANE Select); coding-DNA position 2150, C replaced by A.
Protein change: p.Thr717Asn; replaces threonine 717 with asparagine.
Molecular consequence: missense variant. On other transcripts: non-coding transcript variant (1).
Genome position (GRCh38, 1-based): chr18:57,668,488, G>T on the plus strand (C>A on the coding strand, the complement: ATP8B1 is on the minus strand). VCF-style: chr18-57668488-G-T. GRCh37 (hg19) VCF-style: chr18-55335720-G-T.
Other names: c.2000C>A, p.Thr667Asn (NM_001374386.1); c.2150C>A, p.Thr717Asn (NM_005603.6); short protein forms T667N, T717N.
Identifiers: ClinVar variation 4846297 (VCV004846297.1).

ClinVar aggregate classification (germline): Uncertain significance (1 of 4 stars; one submission).

Conditions:
Familial intrahepatic cholestasis. Identifiers: Orphanet 284385, MedGen CN296401, MONDO:0017290.

Submission:

Genomenon, Inc
Classification: Uncertain significance for Familial intrahepatic cholestasis. Last evaluated: 2026-04-14. Review status: criteria provided, single submitter. Criteria: Genomenon Sequence Variant Interpretation Standards - Updated. Collection method: curation. Allele origin: germline. Affected: yes.
Comment: ATP8B1 p.Thr717Asn (c.2150C>A) is a missense variant that changes the amino acid at residue 717 from Threonine to Asparagine. This variant has been observed in at least one proband with features of ATP8B1-deficiency (PMID:34961929;20232290;35780807;33666275). It is absent or not present at a significant frequency in gnomAD. In silico models predict that this variant is possibly or probably damaging. In conclusion, we classify ATP8B1 p.Thr717Asn (c.2150C>A) as a variant of uncertain significance.

Literature cited by the submitters: PubMed 34961929; PubMed 20232290; PubMed 35780807; PubMed 33666275.